The following is an entry in ClinVar:

ClinVar aggregate classification (germline): Uncertain significance. Review status: criteria provided, multiple submitters, no conflicts (2 of 4 stars). 3 submissions from 3 submitters: Uncertain significance (3). Last evaluated 2026-04-01.

Allele frequency attached by ClinVar (database versions not stated): gnomAD 0.00001; gnomAD exomes 0.00001; ExAC 0.00002; 1000 Genomes Project 30x 0.00016; 1000 Genomes Project 0.00020.
gnomAD v4.1: 8 of 1,614,204 alleles (0.0005%); highest among the groups gnomAD compares: Admixed American, 0.01%; no homozygotes.

Submissions (3):

Women's Health and Genetics/Laboratory Corporation of America, LabCorp
Classification: Uncertain significance. Last evaluated: 2026-04-01. Review status: criteria provided, single submitter. Criteria: LabCorp Variant Classification Summary - May 2015. Collection method: clinical testing. Allele origin: germline.
Comment: Variant summary: LARS2 c.896A>G (p.Tyr299Cys) results in a non-conservative amino acid change in the encoded protein sequence. Algorithms developed to predict the effect of missense changes on protein structure and function are either unavailable or do not agree on the potential impact of this missense change. The variant allele was found at a frequency of 2.8e-05 in 251284 control chromosomes. The available data on variant occurrences in the general population are insufficient to allow any conclusion about variant significance. To our knowledge, no occurrence of c.896A>G in individuals affected with LARS2-related conditions and no experimental evidence demonstrating its impact on protein function have been reported. ClinVar contains an entry for this variant (Variation ID: 2074313). Based on the evidence outlined above, the variant was classified as uncertain significance.

GeneDx
Classification: Uncertain significance. Last evaluated: 2024-09-26. Review status: criteria provided, single submitter. Criteria: GeneDx Variant Classification Process June 2021. Collection method: clinical testing. Allele origin: germline. Affected: yes.
Comment: In silico analysis supports that this missense variant has a deleterious effect on protein structure/function; Has not been previously published as pathogenic or benign to our knowledge

Labcorp Genetics (formerly Invitae), Labcorp
Classification: Uncertain significance. Last evaluated: 2022-04-19. Review status: criteria provided, single submitter. Criteria: Invitae Variant Classification Sherloc (09022015). Collection method: clinical testing. Allele origin: germline.
Comment: This sequence change replaces tyrosine, which is neutral and polar, with cysteine, which is neutral and slightly polar, at codon 299 of the LARS2 protein (p.Tyr299Cys). This variant is present in population databases (rs567270005, gnomAD 0.02%). This variant has not been reported in the literature in individuals affected with LARS2-related conditions. Algorithms developed to predict the effect of missense changes on protein structure and function are either unavailable or do not agree on the potential impact of this missense change (SIFT: "Tolerated"; PolyPhen-2: "Probably Damaging"; Align-GVGD: "Class C25"). Algorithms developed to predict the effect of sequence changes on RNA splicing suggest that this variant may create or strengthen a splice site. In summary, the available evidence is currently insufficient to determine the role of this variant in disease. Therefore, it has been classified as a Variant of Uncertain Significance.

NM_015340.4(LARS2):c.896A>G (p.Tyr299Cys)

Gene: LARS2 (leucyl-tRNA synthetase 2, mitochondrial; plus strand). Cytogenetic location: 3p21.31.
Variant type: single nucleotide variant.
Coding change: c.896A>G on transcript NM_015340.4 (MANE Select); coding-DNA position 896, A replaced by G.
Protein change: p.Tyr299Cys; replaces tyrosine 299 with cysteine.
Molecular consequence: missense variant.
Genome position (GRCh38, 1-based): chr3:45,476,505, A>G. VCF-style: chr3-45476505-A-G. GRCh37 (hg19) VCF-style: chr3-45517997-A-G.
Other names: c.896A>G, p.Tyr299Cys (NM_001368263.1); c.896A>G (NM_015340.3); short protein forms Y299C.
Identifiers: ClinVar variation 2074313 (VCV002074313.3), dbSNP rs567270005, ClinGen allele CA2349446.
Genomic context (GRCh38, chr3:45,476,505, plus strand): 5'-TCACTCTTCTTTCCTATCACCAGGTTCATGGGCAAGCCACGGGCGAAAAGCTGACTGCCT[A>G]TACGGCCACCCCTGAAGCCATTTATGGCACCTCCCACGTGGCCATCTCGCCCAGCCACAG-3'
Protein context (NP_056155.1, residues 289-309): GQATGEKLTA[Tyr299Cys]TATPEAIYGT